The following is an entry in ClinVar:

ClinVar aggregate classification (germline): Uncertain significance (1 of 4 stars; one submission).

Submission:

Labcorp Genetics (formerly Invitae), Labcorp
Classification: Uncertain significance. Last evaluated: 2022-09-09. Review status: criteria provided, single submitter. Criteria: Invitae Variant Classification Sherloc (09022015). Collection method: clinical testing. Allele origin: germline.
Comment: In summary, the available evidence is currently insufficient to determine the role of this variant in disease. Therefore, it has been classified as a Variant of Uncertain Significance. This variant disrupts the p.Arg282 amino acid residue in POU3F4. Other variant(s) that disrupt this residue have been determined to be pathogenic (PMID: 32747562). This suggests that this residue is clinically significant, and that variants that disrupt this residue are likely to be disease-causing. Advanced modeling of protein sequence and biophysical properties (such as structural, functional, and spatial information, amino acid conservation, physicochemical variation, residue mobility, and thermodynamic stability) performed at Invitae indicates that this missense variant is expected to disrupt POU3F4 protein function. This variant has not been reported in the literature in individuals affected with POU3F4-related conditions. This variant is not present in population databases (gnomAD no frequency). This sequence change replaces arginine, which is basic and polar, with glycine, which is neutral and non-polar, at codon 282 of the POU3F4 protein (p.Arg282Gly).

Literature cited by the submitters: PubMed 32747562.

NM_000307.5(POU3F4):c.844C>G (p.Arg282Gly)

Gene: POU3F4 (POU class 3 homeobox 4; plus strand). Cytogenetic location: Xq21.1.
Variant type: single nucleotide variant.
Coding change: c.844C>G on transcript NM_000307.5 (MANE Select); coding-DNA position 844, C replaced by G.
Protein change: p.Arg282Gly; replaces arginine 282 with glycine.
Molecular consequence: missense variant.
Genome position (GRCh38, 1-based): chrX:83,509,168, C>G. VCF-style: chrX-83509168-C-G. GRCh37 (hg19) VCF-style: chrX-82764176-C-G.
Other names: short protein forms R282G.
Identifiers: ClinVar variation 2029679 (VCV002029679.4), dbSNP rs1266392022, ClinGen allele CA413752449.
Genomic context (GRCh38, chrX:83,509,168, plus strand): 5'-TCCACAGGGAGCCCGACCAGCATTGACAAGATCGCTGCACAGGGCCGCAAGCGCAAGAAG[C>G]GGACCTCCATCGAGGTGAGTGTCAAGGGCGTACTGGAGACGCATTTCCTCAAGTGTCCCA-3'
Protein context (NP_000298.3, residues 272-292): IAAQGRKRKK[Arg282Gly]TSIEVSVKGV